The following is an entry in ClinVar:

ClinVar aggregate classification (germline): Uncertain significance (1 of 4 stars; one submission).

Submission:

Labcorp Genetics (formerly Invitae), Labcorp
Classification: Uncertain significance. Last evaluated: 2023-02-25. Review status: criteria provided, single submitter. Criteria: Invitae Variant Classification Sherloc (09022015). Collection method: clinical testing. Allele origin: germline.
Comment: In summary, the available evidence is currently insufficient to determine the role of this variant in disease. Therefore, it has been classified as a Variant of Uncertain Significance. Experimental studies and prediction algorithms are not available or were not evaluated, and the functional significance of this variant is currently unknown. This variant has not been reported in the literature in individuals affected with CERKL-related conditions. This variant is not present in population databases (gnomAD no frequency). This variant, c.184_186del, results in the deletion of 1 amino acid(s) of the CERKL protein (p.Val62del), but otherwise preserves the integrity of the reading frame.

NM_201548.5(CERKL):c.181GTG[1] (p.Val62del)

Genes: CERKL (CERK like autophagy regulator; minus strand), LOC129935214 (ATAC-STARR-seq lymphoblastoid silent region 12157; plus strand). Cytogenetic location: 2q31.3.
Variant type: Microsatellite.
Coding change: c.181GTG[1] on transcript NM_201548.5 (MANE Select); one copy of the 3-base unit GTG starting at c.181; the reference has two copies in a row; one copy, 3 bases deleted.
Protein change: p.Val62del; deletes valine 62.
Molecular consequence: inframe deletion. On other transcripts: inframe indel (2), non-coding transcript variant (2).
Genome position (GRCh38, 1-based): chr2:181,656,821-181,656,823, CAC deleted on the plus strand (GTG on the coding strand, the reverse complement: CERKL is on the minus strand); deleting any 3 consecutive bases within chr2:181,656,821-181,656,826 gives the same sequence; the position shown is the placement nearest the transcript's 3' end. VCF-style (leftmost placement, unchanged base first): chr2-181656820-GCAC-G. GRCh37 (hg19) VCF-style: chr2-182521547-GCAC-G.
Other names: c.181GTG[1], p.Val62del (NM_001030311.3, NM_001030312.3, NM_001030313.3 and 1 more transcripts); c.181_183GTG[1], p.Val62del (NM_001030314.1, NM_001030315.1); short protein forms V62del.
Identifiers: ClinVar variation 2837916 (VCV002837916.3), dbSNP rs2468581759, ClinGen allele CA2739278877.